The following is an entry in ClinVar:

NM_001009999.3(KDM1A):c.768A>G (p.Gln256=)

Gene: KDM1A (lysine demethylase 1A; plus strand). Cytogenetic location: 1p36.12.
Variant type: single nucleotide variant.
Coding change: c.768A>G on transcript NM_001009999.3 (MANE Select); coding-DNA position 768, A replaced by G.
Protein change: p.Gln256=; no amino-acid change (glutamine 256 retained).
Molecular consequence: synonymous variant.
Genome position (GRCh38, 1-based): chr1:23,053,817, A>G. VCF-style: chr1-23053817-A-G. GRCh37 (hg19) VCF-style: chr1-23380310-A-G.
Other names: c.708A>G, p.Gln236= (NM_001363654.2, NM_001410763.1, NM_015013.4); c.768A>G, p.Gln256= (NM_001410762.1).
Identifiers: ClinVar variation 2638476 (VCV002638476.24), dbSNP rs2522681163, ClinGen allele CA416594169.

ClinVar aggregate classification (germline): Likely benign (1 of 4 stars; one submission).

Submission:

CeGaT Center for Human Genetics Tuebingen
Classification: Likely benign. Last evaluated: 2023-07-01. Review status: criteria provided, single submitter. Criteria: CeGaT Center For Human Genetics Tuebingen Variant Classification Criteria Version 2. Collection method: clinical testing. Allele origin: germline. Affected: yes. Observed: 1 variant allele.
Comment: KDM1A: PM2:Supporting, BP4, BP7